The following is an entry in ClinVar:

ClinVar aggregate classification (germline): Likely benign (1 of 4 stars; one submission).

Allele frequency attached by ClinVar (database versions not stated): gnomAD exomes 0.00028; 1000 Genomes Project 0.00079; 1000 Genomes Project 30x 0.00083; gnomAD 0.00141; TOPMed 0.00172.
gnomAD v4.1: 358 of 753,925 alleles (0.047%); highest among the groups gnomAD compares: African/African-American, 0.47%; 2 homozygotes.

Submission:

CeGaT Center for Human Genetics Tuebingen
Classification: Likely benign. Last evaluated: 2023-10-01. Review status: criteria provided, single submitter. Criteria: CeGaT Center For Human Genetics Tuebingen Variant Classification Criteria Version 2. Collection method: clinical testing. Allele origin: germline. Affected: yes. Observed: 5 variant alleles.
Comment: FRMPD4: BP4, BS2

NM_001368397.1(FRMPD4):c.4794C>T (p.Ser1598=)

Gene: FRMPD4 (FERM and PDZ domain containing 4; plus strand). Cytogenetic location: Xp22.2.
Variant type: single nucleotide variant.
Coding change: c.4794C>T on transcript NM_001368397.1 (MANE Select); coding-DNA position 4794, C replaced by T.
Protein change: p.Ser1598=; no amino-acid change (serine 1598 retained).
Molecular consequence: synonymous variant. On other transcripts: 3 prime UTR variant (6).
Genome position (GRCh38, 1-based): chrX:12,721,363, C>T. VCF-style: chrX-12721363-C-T. GRCh37 (hg19) VCF-style: chrX-12739482-C-T.
Other names: c.4905C>T, p.Ser1635= (NM_001368395.3); c.4800C>T, p.Ser1600= (NM_001368396.3); c.*830C>T (NM_001368398.3, NM_001368399.3, NM_001368400.3 and 3 more transcripts).
Identifiers: ClinVar variation 2571354 (VCV002571354.27), dbSNP rs371017598, ClinGen allele CA326086881.